The following is an entry in ClinVar:

ClinVar aggregate classification (germline): Uncertain significance. Review status: criteria provided, multiple submitters, no conflicts (2 of 4 stars). 3 submissions from 3 submitters: Uncertain significance (3). Last evaluated 2025-10-16.

Conditions:
Inborn genetic diseases. Identifiers: MedGen C0950123, MeSH D030342.

Allele frequency attached by ClinVar (database versions not stated): ExAC 0.00001; gnomAD exomes 0.00001 and 0.00004; gnomAD 0.00002; TOPMed 0.00002.

Submissions (3):

Mayo Clinic Laboratories, Mayo Clinic
Classification: Uncertain significance. Last evaluated: 2025-10-16. Review status: criteria provided, single submitter. Criteria: ACMG Guidelines, 2015. Collection method: clinical testing. Allele origin: germline. Observed: 1 variant allele.

Labcorp Genetics (formerly Invitae), Labcorp
Classification: Uncertain significance. Last evaluated: 2025-07-09. Review status: criteria provided, single submitter. Criteria: Invitae Variant Classification Sherloc (09022015). Collection method: clinical testing. Allele origin: germline.
Comment: This sequence change replaces glutamine, which is neutral and polar, with glutamic acid, which is acidic and polar, at codon 1144 of the AP3D1 protein (p.Gln1144Glu). This variant is present in population databases (rs779892377, gnomAD 0.004%). This variant has not been reported in the literature in individuals affected with AP3D1-related conditions. ClinVar contains an entry for this variant (Variation ID: 1444782). An algorithm developed to predict the effect of missense changes on protein structure and function (PolyPhen-2) suggests that this variant is likely to be tolerated. In summary, the available evidence is currently insufficient to determine the role of this variant in disease. Therefore, it has been classified as a Variant of Uncertain Significance.

Ambry Genetics
Classification: Uncertain significance for Inborn genetic diseases. Last evaluated: 2025-05-04. Review status: criteria provided, single submitter. Criteria: Ambry Variant Classification Scheme 2023. Collection method: clinical testing. Allele origin: germline.

NM_001261826.3(AP3D1):c.3430C>G (p.Gln1144Glu)

Gene: AP3D1 (adaptor related protein complex 3 subunit delta 1; minus strand). Cytogenetic location: 19p13.3.
Variant type: single nucleotide variant.
Coding change: c.3430C>G on transcript NM_001261826.3 (MANE Select); coding-DNA position 3430, C replaced by G.
Protein change: p.Gln1144Glu; replaces glutamine 1144 with glutamic acid.
Molecular consequence: missense variant.
Genome position (GRCh38, 1-based): chr19:2,109,128, G>C on the plus strand (C>G on the coding strand, the complement: AP3D1 is on the minus strand). VCF-style: chr19-2109128-G-C. GRCh37 (hg19) VCF-style: chr19-2109127-G-C.
Other names: p.Gln1144Glu; c.3394C>G, p.Gln1132Glu (NM_001374799.1); c.3244C>G, p.Gln1082Glu (NM_003938.8); c.3244C>G (NM_003938.5); short protein forms Q1144E, Q1082E, Q1132E.
Identifiers: ClinVar variation 1444782 (VCV001444782.11), dbSNP rs779892377, ClinGen allele CA9058394.